The following is an entry in ClinVar:

ClinVar aggregate classification (germline): Uncertain significance (1 of 4 stars; one submission).

Submission:

GeneDx
Classification: Uncertain significance. Last evaluated: 2026-06-17. Review status: criteria provided, single submitter. Criteria: GeneDx Variant Classification Process June 2021. Collection method: clinical testing. Allele origin: germline.
Comment: Not observed at significant frequency in large population cohorts (gnomAD); In silico analysis suggests that this missense variant does not alter protein structure/function; Has not been previously published as pathogenic or benign to our knowledge.

NM_001394998.1(TANC2):c.5452G>T (p.Asp1818Tyr)

Gene: TANC2 (tetratricopeptide repeat, ankyrin repeat and coiled-coil containing 2; plus strand). Cytogenetic location: 17q23.3.
Variant type: single nucleotide variant.
Coding change: c.5452G>T on transcript NM_001394998.1 (MANE Select); coding-DNA position 5452, G replaced by T.
Protein change: p.Asp1818Tyr; replaces aspartic acid 1818 with tyrosine.
Molecular consequence: missense variant.
Genome position (GRCh38, 1-based): chr17:63,421,182, G>T. VCF-style: chr17-63421182-G-T. GRCh37 (hg19) VCF-style: chr17-61498543-G-T.
Other names: c.5230G>T, p.Asp1744Tyr (NM_001411076.1); c.5200G>T, p.Asp1734Tyr (NM_025185.4); short protein forms D1734Y, D1744Y, D1818Y.
Identifiers: ClinVar variation 4528036 (VCV004528036.2).